The following is an entry in ClinVar:

ClinVar aggregate classification (germline): Uncertain significance (1 of 4 stars; one submission).

Conditions:
Inborn genetic diseases. Identifiers: MedGen C0950123, MeSH D030342.

gnomAD v4.1: 1 of 1,614,142 alleles (0.000062%); highest among the groups gnomAD compares: Non-Finnish European, 0.000085%; no homozygotes.

Submission:

Ambry Genetics
Classification: Uncertain significance for Inborn genetic diseases. Last evaluated: 2026-08-22. Review status: criteria provided, single submitter. Criteria: Ambry Variant Classification Scheme 2023. Collection method: clinical testing. Allele origin: germline.
Comment: The p.P464S variant (also known as c.1390C>T), located in coding exon 12 of the ASXL1 gene, results from a C to T substitution at nucleotide position 1390. The proline at codon 464 is replaced by serine, an amino acid with similar properties. This amino acid position is conserved. In addition, this alteration is predicted to be tolerated by in silico analysis. Based on the available evidence, the clinical significance of this variant remains unclear.

NM_015338.6(ASXL1):c.1390C>T (p.Pro464Ser)

Gene: ASXL1 (ASXL transcriptional regulator 1; plus strand). Cytogenetic location: 20q11.21.
Variant type: single nucleotide variant.
Coding change: c.1390C>T on transcript NM_015338.6 (MANE Select); coding-DNA position 1390, C replaced by T.
Protein change: p.Pro464Ser; replaces proline 464 with serine.
Molecular consequence: missense variant.
Genome position (GRCh38, 1-based): chr20:32,433,588, C>T. VCF-style: chr20-32433588-C-T. GRCh37 (hg19) VCF-style: chr20-31021391-C-T.
Other names: c.1207C>T, p.Pro403Ser (NM_001363734.1); short protein forms P403S, P464S.
Identifiers: ClinVar variation 5030339 (VCV005030339.1).